The following is an entry in ClinVar:

NM_001267550.2(TTN):c.30619C>G (p.Pro10207Ala)

Gene: TTN (titin; minus strand). Cytogenetic location: 2q31.2.
Variant type: single nucleotide variant.
Coding change: c.30619C>G on transcript NM_001267550.2 (MANE Select); coding-DNA position 30619, C replaced by G.
Protein change: p.Pro10207Ala; replaces proline 10207 with alanine.
Molecular consequence: missense variant. On other transcripts: intron variant (3).
Genome position (GRCh38, 1-based): chr2:178,701,183, G>C on the plus strand (C>G on the coding strand, the complement: TTN is on the minus strand). VCF-style: chr2-178701183-G-C. GRCh37 (hg19) VCF-style: chr2-179565910-G-C.
Other names: c.29668C>G, p.Pro9890Ala (NM_001256850.1); c.26887C>G, p.Pro8963Ala (NM_133378.4); c.13282+36899C>G (NM_003319.4); c.13858+36899C>G (NM_133437.4); c.13657+36899C>G (NM_133432.3); short protein forms P10207A, P8963A, P9890A.
Identifiers: ClinVar variation 500173 (VCV000500173.9), dbSNP rs781304514, ClinGen allele CA1999086.
Genomic context (GRCh38, chr2:178,701,183, plus strand): 5'-CAATACGTTTTGGTGGTGGTTTCTTTTCTTCGGGTGTTGGTAGCAAAAGGGGGATAGGAG[G>C]AGCAACCACAGGAGGGATTTCTGAAGAAAATAAATGCCGTTAGTAACATGTTTTAGTTTC-3'
Protein context (NP_001254479.2, residues 10197-10217): PPEEIPPVVA[Pro10207Ala]PIPLLLPTPE

ClinVar aggregate classification (germline): Conflicting classifications of pathogenicity. Review status: criteria provided, conflicting classifications (1 of 4 stars). 3 submissions from 3 submitters: Uncertain significance (2); Likely benign (1). Last evaluated 2025-05-19.

Conditions:
TTN-related disorder. Also called: TTN-related condition; TTN-related disease; TTN-related disorders.

Allele frequency attached by ClinVar (database versions not stated): ExAC 0.00002; TOPMed 0.00003; gnomAD exomes 0.00004; gnomAD 0.00008 and 0.00009.
gnomAD v4.1: 69 of 1,613,108 alleles (0.0043%); highest among the groups gnomAD compares: Non-Finnish European, 0.0046%; no homozygotes.

Submissions (3):

PreventionGenetics, part of Exact Sciences
Classification: Uncertain significance for TTN-related condition. Last evaluated: 2025-05-19. Review status: criteria provided, single submitter. Criteria: ACMG Guidelines, 2015. Collection method: clinical testing. Allele origin: germline.
Comment: The TTN c.30619C>G variant is predicted to result in the amino acid substitution p.Pro10207Ala. To our knowledge, this variant has not been reported in the literature. This variant is reported in 0.024% of alleles in individuals of European (Finnish) descent in gnomAD. At this time, the clinical significance of this variant is uncertain due to the absence of conclusive functional and genetic evidence.

GeneDx
Classification: Likely benign. Last evaluated: 2021-06-16. Review status: criteria provided, single submitter. Criteria: GeneDx Variant Classification Process June 2021. Collection method: clinical testing. Allele origin: germline. Affected: yes.

Eurofins Ntd Llc (ga)
Classification: Uncertain significance. Last evaluated: 2017-01-30. Review status: criteria provided, single submitter. Criteria: EGL Classification Definitions 2015. Collection method: clinical testing. Allele origin: germline. Observed: 1 variant allele, 1 heterozygote.